The following is an entry in ClinVar:

NM_014845.6(FIG4):c.2115C>T (p.Thr705=)

Gene: FIG4 (FIG4 phosphoinositide 5-phosphatase; plus strand). Cytogenetic location: 6q21.
Variant type: single nucleotide variant.
Coding change: c.2115C>T on transcript NM_014845.6 (MANE Select); coding-DNA position 2115, C replaced by T.
Protein change: p.Thr705=; no amino-acid change (threonine 705 retained).
Molecular consequence: synonymous variant.
Genome position (GRCh38, 1-based): chr6:109,789,612, C>T. VCF-style: chr6-109789612-C-T. GRCh37 (hg19) VCF-style: chr6-110110815-C-T.
Identifiers: ClinVar variation 240926 (VCV000240926.11), dbSNP rs201271644, ClinGen allele CA3956291.

ClinVar aggregate classification (germline): Likely benign. Review status: criteria provided, multiple submitters, no conflicts (2 of 4 stars). 2 submissions from 2 submitters: Likely benign (2). Last evaluated 2026-03-04.

Conditions:
FIG4-related disorder. Also called: FIG4-related disorders; FIG4-related condition.
Charcot-Marie-Tooth disease type 4. Also called: Charcot-Marie-Tooth disease, type IV; Charcot-Marie-Tooth, Type 4. Identifiers: Orphanet 64749, MedGen C4082197, MONDO:0018995.

Allele frequency attached by ClinVar (database versions not stated): gnomAD 0.00001 and 0.00002; gnomAD exomes 0.00001 and 0.00004; TOPMed 0.00001; ExAC 0.00002; 1000 Genomes Project 30x 0.00031; 1000 Genomes Project 0.00040.
gnomAD v4.1: 19 of 1,612,942 alleles (0.0012%); highest among the groups gnomAD compares: East Asian, 0.0089%; no homozygotes.

Submissions (2):

PreventionGenetics, part of Exact Sciences
Classification: Likely benign for FIG4-related condition. Last evaluated: 2026-03-04. Review status: criteria provided, single submitter. Criteria: ACMG Guidelines, 2015. Collection method: clinical testing. Allele origin: germline.
Comment: This variant is classified as likely benign based on ACMG/AMP sequence variant interpretation guidelines (Richards et al. 2015 PMID: 25741868, with internal and published modifications).

Labcorp Genetics (formerly Invitae), Labcorp
Classification: Likely benign for Charcot-Marie-Tooth disease type 4. Last evaluated: 2026-01-15. Review status: criteria provided, single submitter. Criteria: Invitae Variant Classification Sherloc (09022015). Collection method: clinical testing. Allele origin: germline.